The following is an entry in ClinVar:

ClinVar aggregate classification (germline): Uncertain significance. Review status: criteria provided, multiple submitters, no conflicts (2 of 4 stars). 2 submissions from 2 submitters: Uncertain significance (2). Last evaluated 2022-08-21.

Submissions (2):

Labcorp Genetics (formerly Invitae), Labcorp
Classification: Uncertain significance. Last evaluated: 2022-08-21. Review status: criteria provided, single submitter. Criteria: Invitae Variant Classification Sherloc (09022015). Collection method: clinical testing. Allele origin: germline.
Comment: This variant, c.1915_1923del, results in the deletion of 3 amino acid(s) of the CDHR1 protein (p.Asp639_Leu641del), but otherwise preserves the integrity of the reading frame. This variant is present in population databases (rs771786130, gnomAD 0.03%). This variant has not been reported in the literature in individuals affected with CDHR1-related conditions. ClinVar contains an entry for this variant (Variation ID: 811433). Experimental studies and prediction algorithms are not available or were not evaluated, and the functional significance of this variant is currently unknown. In summary, the available evidence is currently insufficient to determine the role of this variant in disease. Therefore, it has been classified as a Variant of Uncertain Significance.

ARUP Laboratories, Molecular Genetics and Genomics, ARUP Laboratories
Classification: Uncertain significance. Last evaluated: 2019-06-03. Review status: criteria provided, single submitter. Criteria: ARUP Molecular Germline Variant Investigation Process. Collection method: clinical testing. Allele origin: germline.
Comment: The CDHR1 c.1915_1923del, p.Asp639_Leu641del variant (rs771786130), to our knowledge, is not reported in the medical literature or gene specific databases. The variant is found in the general population with an overall allele frequency of 0.005% (13/282890 alleles) in the Genome Aggregation Database. This deletion removes 9 nucleotides and 3 amino acids, leaving the rest of the protein in frame. These amino acids are in the cadherin domain and are moderately conserved. Due to limited information, the clinical significance of this deletion is uncertain.

NM_033100.4(CDHR1):c.1915_1923del (p.Asp639_Leu641del)

Gene: CDHR1 (cadherin related family member 1; plus strand). Cytogenetic location: 10q23.1.
Variant type: Deletion.
Coding change: c.1915_1923del on transcript NM_033100.4 (MANE Select); coding-DNA positions 1915 to 1923, 9 bases deleted (GATGCCCTG; older notation c.1915_1923delGATGCCCTG).
Protein change: p.Asp639_Leu641del.
Molecular consequence: inframe deletion.
Genome position (GRCh38, 1-based): chr10:84,213,223-84,213,231, GATGCCCTG deleted; deleting any 9 consecutive bases within chr10:84,213,218-84,213,231 gives the same sequence; the c. name uses the placement nearest the transcript's 3' end. VCF-style (leftmost placement, unchanged base first): chr10-84213217-TCCCTGGATG-T. GRCh37 (hg19) VCF-style: chr10-85972973-TCCCTGGATG-T.
Other names: c.1915_1923del, p.Asp639_Leu641del (NM_001171971.3).
Identifiers: ClinVar variation 811433 (VCV000811433.12), dbSNP rs771786130, ClinGen allele CA5580090.
Genomic context (GRCh38, chr10:84,213,217, plus strand): 5'-GCCAACGTGTTCGACATCAATTCCCACACGGGGGAGATCTGGCTCAAGAATTCCATCCGC[TCCCTGGATG>T]CCCTGCACAACATCACACCTGGAAGGGACTGCCTATGGTCCCTAGAGGTGCAGGCCAAGG-3'